The following is an entry in ClinVar:

ClinVar aggregate classification (germline): Likely benign. Review status: criteria provided, multiple submitters, no conflicts (2 of 4 stars). 3 submissions from 3 submitters: Likely benign (3). Last evaluated 2025-02-18.

Conditions:
Hereditary breast ovarian cancer syndrome. Also called: BRCA1- and BRCA2-Associated Hereditary Breast and Ovarian Cancer; Hereditary breast and ovarian cancer syndrome (HBOC); Hereditary breast and ovarian cancer syndrome; Breast and ovarian cancer; Hereditary breast and ovarian cancer; Hereditary breast and/or ovarian cancer syndrome. Identifiers: Orphanet 145, MedGen C0677776, MeSH D061325, MONDO:0003582. Disease mechanism: loss of function.
Hereditary cancer-predisposing syndrome. Also called: Hereditary Cancer Syndrome; Hereditary neoplastic syndrome; Neoplastic Syndromes, Hereditary; Tumor predisposition. Identifiers: Orphanet 140162, MedGen C0027672, MeSH D009386, MONDO:0015356.
Breast-ovarian cancer, familial, susceptibility to, 1 (BROVCA1). Also called: OVARIAN CANCER, SUSCEPTIBILITY TO; BRCA1 Hereditary Breast and Ovarian Cancer. Identifiers: Orphanet 145, MedGen C2676676, MONDO:0011450, OMIM 604370. Disease mechanism: loss of function.

Submissions (3):

Labcorp Genetics (formerly Invitae), Labcorp
Classification: Likely benign for Hereditary breast ovarian cancer syndrome. Last evaluated: 2025-02-18. Review status: criteria provided, single submitter. Criteria: Invitae Variant Classification Sherloc (09022015). Collection method: clinical testing. Allele origin: germline.

All of Us Research Program, National Institutes of Health
Classification: Likely benign for Breast-ovarian cancer, familial, susceptibility to, 1. Last evaluated: 2023-03-23. Review status: criteria provided, single submitter. Criteria: ACMG Guidelines, 2015. Collection method: clinical testing. Allele origin: germline. Inheritance: Autosomal dominant inheritance. Observed: 1 variant allele, 1 heterozygote.
Comment: This study involves interpretation of variants in research participants for the purpose of population health screening. Participant phenotype was not available at the time of variant classification. Additional details can be found in publication PMID: 35346344, PMCID: PMC8962531

Ambry Genetics
Classification: Likely benign for Hereditary cancer-predisposing syndrome. Last evaluated: 2021-04-18. Review status: criteria provided, single submitter. Criteria: Ambry Variant Classification Scheme 2023. Collection method: clinical testing. Allele origin: germline.

NM_007294.4(BRCA1):c.342T>C (p.Ser114=)

Gene: BRCA1 (BRCA1 DNA repair associated; minus strand). Cytogenetic location: 17q21.31.
Variant type: single nucleotide variant.
Coding change: c.342T>C on transcript NM_007294.4 (MANE Select); coding-DNA position 342, T replaced by C.
Protein change: p.Ser114=; no amino-acid change (serine 114 retained).
Molecular consequence: synonymous variant. On other transcripts: 5 prime UTR variant (7), intron variant (2).
Genome position (GRCh38, 1-based): chr17:43,104,221, A>G on the plus strand (T>C on the coding strand, the complement: BRCA1 is on the minus strand). VCF-style: chr17-43104221-A-G. GRCh37 (hg19) VCF-style: chr17-41256238-A-G.
Other names: c.264T>C, p.Ser88= (NM_001408414.1, NM_001408415.1, NM_001408416.1 and 21 more transcripts); c.342T>C, p.Ser114= (NM_001408418.1, NM_001408419.1, NM_001408420.1 and 165 more transcripts); c.210T>C, p.Ser70= (NM_001408451.1); c.201T>C, p.Ser67= (NM_001408452.1, NM_001408453.1, NM_001408454.1 and 99 more transcripts); c.132T>C, p.Ser44= (NM_001408478.1, NM_001408479.1, NM_001408480.1 and 58 more transcripts); c.-40T>C (NM_001408510.1, NM_001408512.1, NM_001407959.1 and 4 more transcripts); c.-218-9361T>C (NM_001407967.1, NM_001407966.1); c.333T>C, p.Ser111= (NM_001407646.1, NM_001407647.1, NM_001408408.1).
Identifiers: ClinVar variation 797285 (VCV000797285.15), dbSNP rs1597896958, ClinGen allele CA500126934.